The following is an entry in ClinVar:

NM_012471.3(TRPC5):c.2133A>G (p.Gln711=)

Gene: TRPC5 (transient receptor potential cation channel subfamily C member 5; minus strand). Cytogenetic location: Xq23.
Variant type: single nucleotide variant.
Coding change: c.2133A>G on transcript NM_012471.3 (MANE Select); coding-DNA position 2133, A replaced by G.
Protein change: p.Gln711=; no amino-acid change (glutamine 711 retained).
Molecular consequence: synonymous variant.
Genome position (GRCh38, 1-based): chrX:111,781,174, T>C on the plus strand (A>G on the coding strand, the complement: TRPC5 is on the minus strand). VCF-style: chrX-111781174-T-C. GRCh37 (hg19) VCF-style: chrX-111024402-T-C.
Identifiers: ClinVar variation 3058585 (VCV003058585.2), dbSNP rs138034404, ClinGen allele CA10494205.

ClinVar aggregate classification (germline): Likely benign (0 of 4 stars; one submission).

Conditions:
TRPC5-related disorder. Also called: TRPC5-related condition.

Allele frequency attached by ClinVar (database versions not stated): gnomAD exomes 0.00001; ExAC 0.00003; gnomAD 0.00008; TOPMed 0.00012; ESP Exome Variant Server 0.00019.
gnomAD v4.1: 23 of 1,208,600 alleles (0.0019%); highest among the groups gnomAD compares: African/African-American, 0.04%; no homozygotes.

Submission:

PreventionGenetics, part of Exact Sciences
Classification: Likely benign for TRPC5-related condition. Last evaluated: 2022-05-11. Review status: no assertion criteria provided. Collection method: clinical testing. Allele origin: germline.
Comment: This variant is classified as likely benign based on ACMG/AMP sequence variant interpretation guidelines (Richards et al. 2015 PMID: 25741868, with internal and published modifications).